The following is an entry in ClinVar:

ClinVar aggregate classification (germline): Uncertain significance (1 of 4 stars; one submission).

Conditions:
RYR1-related disorder. Also called: RYR1-related condition; RYR1-related disorders. Identifiers: MedGen CN239331.

Submission:

Labcorp Genetics (formerly Invitae), Labcorp
Classification: Uncertain significance for RYR1-related disorder. Last evaluated: 2023-09-30. Review status: criteria provided, single submitter. Criteria: Invitae Variant Classification Sherloc (09022015). Collection method: clinical testing. Allele origin: germline.
Comment: Advanced modeling of protein sequence and biophysical properties (such as structural, functional, and spatial information, amino acid conservation, physicochemical variation, residue mobility, and thermodynamic stability) performed at Invitae indicates that this missense variant is not expected to disrupt RYR1 protein function. This variant has not been reported in the literature in individuals affected with RYR1-related conditions. This variant is not present in population databases (gnomAD no frequency). This sequence change replaces glutamic acid, which is acidic and polar, with glutamine, which is neutral and polar, at codon 4378 of the RYR1 protein (p.Glu4378Gln). In summary, the available evidence is currently insufficient to determine the role of this variant in disease. Therefore, it has been classified as a Variant of Uncertain Significance.

NM_000540.3(RYR1):c.13132G>C (p.Glu4378Gln)

Gene: RYR1 (ryanodine receptor 1; plus strand). Cytogenetic location: 19q13.2.
Variant type: single nucleotide variant.
Coding change: c.13132G>C on transcript NM_000540.3 (MANE Select); coding-DNA position 13132, G replaced by C.
Protein change: p.Glu4378Gln; replaces glutamic acid 4378 with glutamine.
Molecular consequence: missense variant.
Genome position (GRCh38, 1-based): chr19:38,565,466, G>C. VCF-style: chr19-38565466-G-C. GRCh37 (hg19) VCF-style: chr19-39056106-G-C.
Other names: c.13117G>C, p.Glu4373Gln (NM_001042723.2); short protein forms E4373Q, E4378Q.
Identifiers: ClinVar variation 2977004 (VCV002977004.3), dbSNP rs1277191700, ClinGen allele CA405673620.